The following is an entry in ClinVar:

NM_001943.5(DSG2):c.3227T>C (p.Val1076Ala)

Genes: DSG2 (desmoglein 2; plus strand), DSG2-AS1 (DSG2 antisense RNA 1; minus strand). Cytogenetic location: 18q12.1.
Variant type: single nucleotide variant.
Coding change: c.3227T>C on transcript NM_001943.5 (MANE Select); coding-DNA position 3227, T replaced by C.
Protein change: p.Val1076Ala; replaces valine 1076 with alanine.
Molecular consequence: missense variant.
Genome position (GRCh38, 1-based): chr18:31,546,613, T>C. VCF-style: chr18-31546613-T-C. GRCh37 (hg19) VCF-style: chr18-29126576-T-C.
Other names: short protein forms V1076A.
Identifiers: ClinVar variation 3018664 (VCV003018664.3), dbSNP rs772886304, ClinGen allele CA402149024.

ClinVar aggregate classification (germline): Uncertain significance (1 of 4 stars; one submission).

Conditions:
Arrhythmogenic right ventricular dysplasia 10. Also called: ARRHYTHMOGENIC RIGHT VENTRICULAR DYSPLASIA, FAMILIAL, 10; Arrhythmogenic Right Ventricular Dysplasia/Cardiomyopathy10; Arrhythmogenic right ventricular dysplasia/cardiomyopathy, type 10. Identifiers: MedGen C1857777, MONDO:0012434, OMIM 610193.

Allele frequency attached by ClinVar (database versions not stated): gnomAD exomes below 0.00001.
gnomAD v4.1: 2 of 1,614,170 alleles (0.00012%); highest among the groups gnomAD compares: Non-Finnish European, 0.00017%; no homozygotes.

Submission:

Labcorp Genetics (formerly Invitae), Labcorp
Classification: Uncertain significance for Arrhythmogenic right ventricular dysplasia 10. Last evaluated: 2023-10-06. Review status: criteria provided, single submitter. Criteria: Invitae Variant Classification Sherloc (09022015). Collection method: clinical testing. Allele origin: germline.
Comment: This sequence change replaces valine, which is neutral and non-polar, with alanine, which is neutral and non-polar, at codon 1076 of the DSG2 protein (p.Val1076Ala). This variant is not present in population databases (gnomAD no frequency). This variant has not been reported in the literature in individuals affected with DSG2-related conditions. Advanced modeling of protein sequence and biophysical properties (such as structural, functional, and spatial information, amino acid conservation, physicochemical variation, residue mobility, and thermodynamic stability) performed at Invitae indicates that this missense variant is not expected to disrupt DSG2 protein function. In summary, the available evidence is currently insufficient to determine the role of this variant in disease. Therefore, it has been classified as a Variant of Uncertain Significance.